The following is an entry in ClinVar:

ClinVar aggregate classification (germline): Uncertain significance (1 of 4 stars; one submission).

Conditions:
Neuropathy, hereditary sensory, type 2C. Also called: Hereditary sensory and autonomic neuropathy type IIC; KIF1A-Related HSAN2 (HSAN2C). Identifiers: Orphanet 970, MedGen C3280168, MONDO:0013634, OMIM 614213.
Intellectual disability, autosomal dominant 9 (NESCAVS). Also called: KIF1A-Related Neurodevelopmental Disorder; NESCAV SYNDROME. Identifiers: Orphanet 662367, MedGen C5393830, MONDO:0013656, OMIM 614255.
Hereditary spastic paraplegia 30. Identifiers: Orphanet 101010, MedGen C5235139, MONDO:0012476.

gnomAD v4.1: 4 of 1,575,270 alleles (0.00025%); highest among the groups gnomAD compares: Non-Finnish European, 0.00034%; no homozygotes.

Submission:

Labcorp Genetics (formerly Invitae), Labcorp
Classification: Uncertain significance for Hereditary spastic paraplegia 30; Neuropathy, hereditary sensory, type 2C; Intellectual disability, autosomal dominant 9. Last evaluated: 2020-06-01. Review status: criteria provided, single submitter. Criteria: Invitae Variant Classification Sherloc (09022015). Collection method: clinical testing. Allele origin: germline.
Comment: This sequence change replaces alanine with glycine at codon 1518 of the KIF1A protein (p.Ala1518Gly). The alanine residue is moderately conserved and there is a small physicochemical difference between alanine and glycine. This variant is not present in population databases (ExAC no frequency). This variant has not been reported in the literature in individuals with KIF1A-related conditions. Algorithms developed to predict the effect of missense changes on protein structure and function (SIFT, PolyPhen-2, Align-GVGD) all suggest that this variant is likely to be tolerated, but these predictions have not been confirmed by published functional studies and their clinical significance is uncertain. In summary, the available evidence is currently insufficient to determine the role of this variant in disease. Therefore, it has been classified as a Variant of Uncertain Significance.

NM_001244008.2(KIF1A):c.4856C>G (p.Ala1619Gly)

Gene: KIF1A (kinesin family member 1A; minus strand). Cytogenetic location: 2q37.3.
Variant type: single nucleotide variant.
Coding change: c.4856C>G on transcript NM_001244008.2 (MANE Select); coding-DNA position 4856, C replaced by G.
Protein change: p.Ala1619Gly; replaces alanine 1619 with glycine.
Molecular consequence: missense variant.
Genome position (GRCh38, 1-based): chr2:240,720,926, G>C on the plus strand (C>G on the coding strand, the complement: KIF1A is on the minus strand). VCF-style: chr2-240720926-G-C. GRCh37 (hg19) VCF-style: chr2-241660343-G-C.
Other names: c.4580C>G, p.Ala1527Gly (NM_001320705.2, NM_001379649.1); c.4607C>G, p.Ala1536Gly (NM_001330289.2); c.4655C>G, p.Ala1552Gly (NM_001330290.2, NM_001379648.1); c.4931C>G, p.Ala1644Gly (NM_001379631.1); c.4832C>G, p.Ala1611Gly (NM_001379632.1); c.4829C>G, p.Ala1610Gly (NM_001379633.1, NM_001379645.1); c.4682C>G, p.Ala1561Gly (NM_001379634.1); c.4679C>G, p.Ala1560Gly (NM_001379635.1, NM_001379646.1); and 7 more; short protein forms A1517G, A1518G, A1526G, A1527G, A1535G, A1536G, A1543G, A1552G.
Identifiers: ClinVar variation 1015594 (VCV001015594.9), dbSNP rs2045286506, ClinGen allele CA351301450.